The following is an entry in ClinVar:

ClinVar aggregate classification (germline): Uncertain significance (1 of 4 stars; one submission).

gnomAD v4.1: 1 of 1,614,086 alleles (0.000062%); highest among the groups gnomAD compares: Non-Finnish European, 0.000085%; no homozygotes.

Submission:

GeneDx
Classification: Uncertain significance. Last evaluated: 2024-04-08. Review status: criteria provided, single submitter. Criteria: GeneDx Variant Classification Process June 2021. Collection method: clinical testing. Allele origin: germline. Affected: yes.
Comment: Not observed at significant frequency in large population cohorts (gnomAD); In silico analysis indicates that this missense variant does not alter protein structure/function; Has not been previously published as pathogenic or benign to our knowledge

NM_005121.3(MED13):c.4969A>G (p.Asn1657Asp)

Gene: MED13 (mediator complex subunit 13; minus strand). Cytogenetic location: 17q23.2.
Variant type: single nucleotide variant.
Coding change: c.4969A>G on transcript NM_005121.3 (MANE Select); coding-DNA position 4969, A replaced by G.
Protein change: p.Asn1657Asp; replaces asparagine 1657 with aspartic acid.
Molecular consequence: missense variant.
Genome position (GRCh38, 1-based): chr17:61,962,847, T>C on the plus strand (A>G on the coding strand, the complement: MED13 is on the minus strand). VCF-style: chr17-61962847-T-C. GRCh37 (hg19) VCF-style: chr17-60040208-T-C.
Other names: short protein forms N1657D.
Identifiers: ClinVar variation 3372242 (VCV003372242.1).
Genomic context (GRCh38, chr17:61,962,847, plus strand): 5'-GAGTCTGGACCATTTCTAGAAAGCATCGAAGTAGCCCCAATGTCCACACACTAGAAGAGT[T>C]AGTGCTCTCGTCTGTATTTTCGTATGTAAAAGGATCAATTATATAAACAACAATTGCAGG-3'
Protein context (NP_005112.2, residues 1647-1667): FTYENTDEST[Asn1657Asp]SSSVWTLGLL